The following is an entry in ClinVar:

NM_000059.4(BRCA2):c.10153C>T (p.Arg3385Cys)

Gene: BRCA2 (BRCA2 DNA repair associated; plus strand). Cytogenetic location: 13q13.1.
Variant type: single nucleotide variant.
Coding change: c.10153C>T on transcript NM_000059.4 (MANE Select); coding-DNA position 10153, C replaced by T.
Protein change: p.Arg3385Cys; replaces arginine 3385 with cysteine.
Molecular consequence: missense variant.
Genome position (GRCh38, 1-based): chr13:32,398,666, C>T. VCF-style: chr13-32398666-C-T. GRCh37 (hg19) VCF-style: chr13-32972803-C-T.
Other names: p.R3385C:CGT>TGT; 10381C>T; short protein forms R3385C.
Identifiers: ClinVar variation 37721 (VCV000037721.23), dbSNP rs397507261, ClinGen allele CA010364.

ClinVar aggregate classification (germline): Benign/Likely benign. Review status: criteria provided, multiple submitters, no conflicts (2 of 4 stars). 9 submissions from 9 submitters: Benign (1); Likely benign (6). 2 of the submissions do not count toward it. Last evaluated 2026-09-01.

Conditions:
BRCA2-related disorder. Also called: BRCA2-related condition; BRCA2-related disorders. Identifiers: MedGen CN239275.
BRCA2-related cancer predisposition. Identifiers: MedGen CN377758, MONDO:0700269.
Hereditary cancer-predisposing syndrome. Also called: Neoplastic Syndromes, Hereditary; Hereditary neoplastic syndrome; Hereditary Cancer Syndrome; Tumor predisposition. Identifiers: Orphanet 140162, MedGen C0027672, MeSH D009386, MONDO:0015356.
Hereditary breast ovarian cancer syndrome. Also called: Hereditary breast and ovarian cancer syndrome (HBOC); Breast and ovarian cancer; BRCA1- and BRCA2-Associated Hereditary Breast and Ovarian Cancer; Hereditary breast and ovarian cancer syndrome; Hereditary breast and ovarian cancer; Hereditary breast and/or ovarian cancer syndrome. Identifiers: Orphanet 145, MedGen C0677776, MeSH D061325, MONDO:0003582. Disease mechanism: loss of function.
Breast-ovarian cancer, familial, susceptibility to, 2 (BROVCA2). Also called: BRCA2 Hereditary Breast and Ovarian Cancer. Identifiers: Orphanet 145, MedGen C2675520, MONDO:0012933, OMIM 612555. Disease mechanism: loss of function.

Allele frequency attached by ClinVar (database versions not stated): TOPMed below 0.00001; gnomAD exomes 0.00001 and 0.00002; gnomAD 0.00001; ExAC 0.00002.
gnomAD v4.1: 24 of 1,614,006 alleles (0.0015%); highest among the groups gnomAD compares: South Asian, 0.011%; 1 homozygote.

Submissions (9):

CeGaT Center for Human Genetics Tuebingen
Classification: Likely benign. Last evaluated: 2026-09-01. Review status: criteria provided, single submitter. Criteria: CeGaT Center For Human Genetics Tuebingen Variant Classification Criteria Version 2. Collection method: clinical testing. Allele origin: germline. Affected: yes. Observed: 1 variant allele.
Comment: BRCA2: BP4

Labcorp Genetics (formerly Invitae), Labcorp
Classification: Likely benign for Hereditary breast ovarian cancer syndrome. Last evaluated: 2025-12-31. Review status: criteria provided, single submitter. Criteria: Invitae Variant Classification Sherloc (09022015). Collection method: clinical testing. Allele origin: germline.

All of Us Research Program, National Institutes of Health
Classification: Likely benign for BRCA2-related cancer predisposition. Last evaluated: 2024-05-30. Review status: criteria provided, single submitter. Criteria: ACMG Guidelines, 2015. Collection method: clinical testing. Allele origin: germline. Inheritance: Autosomal dominant inheritance. Observed: 6 variant alleles, 6 heterozygotes.
Comment: This study involves interpretation of variants in research participants for the purpose of population health screening. Participant phenotype was not available at the time of variant classification. Additional details can be found in publication PMID: 35346344, PMCID: PMC8962531

Ambry Genetics
Classification: Likely benign for Hereditary cancer-predisposing syndrome. Last evaluated: 2018-02-08. Review status: criteria provided, single submitter. Criteria: Ambry Variant Classification Scheme 2023. Collection method: clinical testing. Allele origin: germline.

GeneDx
Classification: Likely benign. Last evaluated: 2016-04-19. Review status: criteria provided, single submitter. Criteria: GeneDx Variant Classification (06012015). Collection method: clinical testing. Allele origin: germline. Affected: yes.
Comment: This variant is considered likely benign or benign based on one or more of the following criteria: it is a conservative change, it occurs at a poorly conserved position in the protein, it is predicted to be benign by multiple in silico algorithms, and/or has population frequency not consistent with disease.

Color Diagnostics, LLC DBA Color Health
Classification: Likely benign for Hereditary cancer-predisposing syndrome. Last evaluated: 2015-04-14. Review status: criteria provided, single submitter. Criteria: ACMG Guidelines, 2015. Collection method: clinical testing. Allele origin: germline.

Molecular Genetics Laboratory, University of Michigan
Classification: Benign for Breast-ovarian cancer, familial, susceptibility to, 2. Last evaluated: 2014-11-03. Review status: criteria provided, single submitter. Criteria: ACMG Guidelines, 2015. Collection method: clinical testing. Allele origin: germline. Affected: yes.

PreventionGenetics, part of Exact Sciences
Classification: Likely benign for BRCA2-related condition. Last evaluated: 2024-05-03. Review status: no assertion criteria provided. Collection method: clinical testing. Allele origin: germline. Not counted in ClinVar's aggregate classification.
Comment: This variant is classified as likely benign based on ACMG/AMP sequence variant interpretation guidelines (Richards et al. 2015 PMID: 25741868, with internal and published modifications).

Sharing Clinical Reports Project (SCRP)
Classification: Benign for Breast-ovarian cancer, familial 2. Last evaluated: 2009-08-18. Review status: no assertion criteria provided. Collection method: clinical testing. Allele origin: germline. Not counted in ClinVar's aggregate classification.